The following is an entry in ClinVar:

NM_000245.4(MET):c.3955T>C (p.Cys1319Arg)

Gene: MET (MET proto-oncogene, receptor tyrosine kinase; plus strand). Cytogenetic location: 7q31.2.
Variant type: single nucleotide variant.
Coding change: c.3955T>C on transcript NM_000245.4 (MANE Select); coding-DNA position 3955, T replaced by C.
Protein change: p.Cys1319Arg; replaces cysteine 1319 with arginine.
Molecular consequence: missense variant.
Genome position (GRCh38, 1-based): chr7:116,795,906, T>C. VCF-style: chr7-116795906-T-C. GRCh37 (hg19) VCF-style: chr7-116435960-T-C.
Other names: c.4009T>C, p.Cys1337Arg (NM_001127500.3); c.2665T>C, p.Cys889Arg (NM_001324402.2); short protein forms C1319R, C889R, C1337R.
Identifiers: ClinVar variation 2453411 (VCV002453411.5), dbSNP rs2117110663, ClinGen allele CA369118085.

ClinVar aggregate classification (germline): Uncertain significance. Review status: criteria provided, multiple submitters, no conflicts (2 of 4 stars). 2 submissions from 2 submitters: Uncertain significance (2). Last evaluated 2026-07-08.

Conditions:
Hereditary cancer-predisposing syndrome. Also called: Hereditary Cancer Syndrome; Hereditary neoplastic syndrome; Neoplastic Syndromes, Hereditary; Tumor predisposition. Identifiers: Orphanet 140162, MedGen C0027672, MeSH D009386, MONDO:0015356.
Renal cell carcinoma. Identifiers: Orphanet 217071, MedGen C0007134, MeSH D002292, MONDO:0005086, HP:0005584.

Submissions (2):

Ambry Genetics
Classification: Uncertain significance for Hereditary cancer-predisposing syndrome. Last evaluated: 2026-07-08. Review status: criteria provided, single submitter. Criteria: Ambry Variant Classification Scheme 2023. Collection method: clinical testing. Allele origin: germline.
Comment: The p.C1337R variant (also known as c.4009T>C), located in coding exon 20 of the MET gene, results from a T to C substitution at nucleotide position 4009. The cysteine at codon 1337 is replaced by arginine, an amino acid with highly dissimilar properties. This amino acid position is highly conserved in available vertebrate species. In addition, this alteration is predicted to be deleterious by in silico analysis. Based on the available evidence, the clinical significance of this variant remains unclear.

Labcorp Genetics (formerly Invitae), Labcorp
Classification: Uncertain significance for Renal cell carcinoma. Last evaluated: 2024-06-28. Review status: criteria provided, single submitter. Criteria: Invitae Variant Classification Sherloc (09022015). Collection method: clinical testing. Allele origin: germline.
Comment: This sequence change replaces cysteine, which is neutral and slightly polar, with arginine, which is basic and polar, at codon 1337 of the MET protein (p.Cys1337Arg). This variant is not present in population databases (gnomAD no frequency). This variant has not been reported in the literature in individuals affected with MET-related conditions. ClinVar contains an entry for this variant (Variation ID: 2453411). Advanced modeling of protein sequence and biophysical properties (such as structural, functional, and spatial information, amino acid conservation, physicochemical variation, residue mobility, and thermodynamic stability) performed at Invitae indicates that this missense variant is expected to disrupt MET protein function with a positive predictive value of 80%. In summary, the available evidence is currently insufficient to determine the role of this variant in disease. Therefore, it has been classified as a Variant of Uncertain Significance.